The following is an entry in ClinVar:

ClinVar aggregate classification (germline): Uncertain significance (1 of 4 stars; one submission).

Submission:

Labcorp Genetics (formerly Invitae), Labcorp
Classification: Uncertain significance. Last evaluated: 2022-07-19. Review status: criteria provided, single submitter. Criteria: Invitae Variant Classification Sherloc (09022015). Collection method: clinical testing. Allele origin: germline.
Comment: This sequence change replaces asparagine, which is neutral and polar, with serine, which is neutral and polar, at codon 1805 of the MYO5B protein (p.Asn1805Ser). This variant is not present in population databases (gnomAD no frequency). In summary, the available evidence is currently insufficient to determine the role of this variant in disease. Therefore, it has been classified as a Variant of Uncertain Significance. Algorithms developed to predict the effect of missense changes on protein structure and function output the following: SIFT: "Tolerated"; PolyPhen-2: "Benign"; Align-GVGD: "Class C0". The serine amino acid residue is found in multiple mammalian species, which suggests that this missense change does not adversely affect protein function. ClinVar contains an entry for this variant (Variation ID: 1448954). This variant has not been reported in the literature in individuals affected with MYO5B-related conditions.

NM_001080467.3(MYO5B):c.5414A>G (p.Asn1805Ser)

Genes: MYO5B (myosin VB; minus strand), SNHG22 (small nucleolar RNA host gene 22; plus strand). Cytogenetic location: 18q21.1.
Variant type: single nucleotide variant.
Coding change: c.5414A>G on transcript NM_001080467.3 (MANE Select); coding-DNA position 5414, A replaced by G.
Protein change: p.Asn1805Ser; replaces asparagine 1805 with serine.
Molecular consequence: missense variant.
Genome position (GRCh38, 1-based): chr18:49,826,604, T>C on the plus strand (A>G on the coding strand, the complement: MYO5B is on the minus strand). VCF-style: chr18-49826604-T-C. GRCh37 (hg19) VCF-style: chr18-47352974-T-C.
Other names: short protein forms N1805S.
Identifiers: ClinVar variation 1448954 (VCV001448954.6), dbSNP rs2144012441, ClinGen allele CA402418101.